The following is an entry in ClinVar:

NM_001367721.1(CASK):c.1088G>A (p.Cys363Tyr)

Gene: CASK (calcium/calmodulin dependent serine protein kinase; minus strand). Cytogenetic location: Xp11.4.
Variant type: single nucleotide variant.
Coding change: c.1088G>A on transcript NM_001367721.1 (MANE Select); coding-DNA position 1088, G replaced by A.
Protein change: p.Cys363Tyr; replaces cysteine 363 with tyrosine.
Molecular consequence: missense variant.
Genome position (GRCh38, 1-based): chrX:41,609,971, C>T on the plus strand (G>A on the coding strand, the complement: CASK is on the minus strand). VCF-style: chrX-41609971-C-T. GRCh37 (hg19) VCF-style: chrX-41469224-C-T.
Other names: c.1088G>A, p.Cys363Tyr (NM_003688.4, NM_001126054.3); c.1070G>A, p.Cys357Tyr (NM_001126055.3, NM_001410745.1); short protein forms C357Y, C363Y.
Identifiers: ClinVar variation 1310210 (VCV001310210.3), dbSNP rs771782394, ClinGen allele CA10390265.

ClinVar aggregate classification (germline): Uncertain significance. Review status: criteria provided, multiple submitters, no conflicts (2 of 4 stars). 2 submissions from 2 submitters: Uncertain significance (2). Last evaluated 2023-12-07.

Allele frequency attached by ClinVar (database versions not stated): gnomAD exomes below 0.00001 and 0.00001; ExAC 0.00001.

Submissions (2):

ARUP Laboratories, Molecular Genetics and Genomics, ARUP Laboratories
Classification: Uncertain significance. Last evaluated: 2023-12-07. Review status: criteria provided, single submitter. Criteria: ARUP Molecular Germline Variant Investigation Process 2024. Collection method: clinical testing. Allele origin: germline.

GeneDx
Classification: Uncertain significance. Last evaluated: 2019-11-26. Review status: criteria provided, single submitter. Criteria: GeneDx Variant Classification Process June 2021. Collection method: clinical testing. Allele origin: germline. Affected: yes.
Comment: Not observed at a significant frequency in large population cohorts (Lek et al., 2016); In silico analysis, which includes protein predictors and evolutionary conservation, supports a deleterious effect; Has not been previously published as pathogenic or benign to our knowledge